The following is an entry in ClinVar:

NM_025137.4(SPG11):c.1225C>T (p.Pro409Ser)

Gene: SPG11 (SPG11 vesicle trafficking associated, spatacsin; minus strand). Cytogenetic location: 15q21.1.
Variant type: single nucleotide variant.
Coding change: c.1225C>T on transcript NM_025137.4 (MANE Select); coding-DNA position 1225, C replaced by T.
Protein change: p.Pro409Ser; replaces proline 409 with serine.
Molecular consequence: missense variant.
Genome position (GRCh38, 1-based): chr15:44,651,722, G>A on the plus strand (C>T on the coding strand, the complement: SPG11 is on the minus strand). VCF-style: chr15-44651722-G-A. GRCh37 (hg19) VCF-style: chr15-44943920-G-A.
Other names: c.1225C>T, p.Pro409Ser (NM_001160227.2, NM_001411132.1); c.1225C>T (NM_025137.3); short protein forms P409S.
Identifiers: ClinVar variation 1970216 (VCV001970216.3), dbSNP rs958109865, ClinGen allele CA270102405.

ClinVar aggregate classification (germline): Uncertain significance. Review status: criteria provided, multiple submitters, no conflicts (2 of 4 stars). 2 submissions from 2 submitters: Uncertain significance (2). Last evaluated 2023-01-18.

Conditions:
Hereditary spastic paraplegia 11. Also called: Spastic paraplegia, mental retardation and thin corpus callosum; SPASTIC PARAPLEGIA, AUTOSOMAL RECESSIVE, WITH MENTAL IMPAIRMENT AND THIN CORPUS CALLOSUM; Spastic Paraplegia 11; Nakamura Osame syndrome; Autosomal recessive hereditary spastic paraplegia, mental impairment, and thin corpus callosum; SPASTIC PARAPLEGIA, AUTOSOMAL RECESSIVE, COMPLICATED, WITH THIN CORPUS CALLOSUM. Identifiers: Orphanet 2822, MedGen C1858479, MONDO:0011445, OMIM 604360.

Allele frequency attached by ClinVar (database versions not stated): TOPMed 0.00001.
gnomAD v4.1: 1 of 1,614,168 alleles (0.000062%); highest among the groups gnomAD compares: Admixed American, 0.0017%; no homozygotes.

Submissions (2):

GeneDx
Classification: Uncertain significance. Last evaluated: 2023-01-18. Review status: criteria provided, single submitter. Criteria: GeneDx Variant Classification Process June 2021. Collection method: clinical testing. Allele origin: germline. Affected: yes.
Comment: Not observed at significant frequency in large population cohorts (gnomAD); In silico analysis supports that this missense variant does not alter protein structure/function; Has not been previously published as pathogenic or benign to our knowledge

Labcorp Genetics (formerly Invitae), Labcorp
Classification: Uncertain significance for Hereditary spastic paraplegia 11. Last evaluated: 2022-06-18. Review status: criteria provided, single submitter. Criteria: Invitae Variant Classification Sherloc (09022015). Collection method: clinical testing. Allele origin: germline.
Comment: This sequence change replaces proline, which is neutral and non-polar, with serine, which is neutral and polar, at codon 409 of the SPG11 protein (p.Pro409Ser). This variant is present in population databases (no rsID available, gnomAD 0.003%). This variant has not been reported in the literature in individuals affected with SPG11-related conditions. Algorithms developed to predict the effect of missense changes on protein structure and function output the following: SIFT: "Deleterious"; PolyPhen-2: "Benign"; Align-GVGD: "Class C0". The serine amino acid residue is found in multiple mammalian species, which suggests that this missense change does not adversely affect protein function. In summary, the available evidence is currently insufficient to determine the role of this variant in disease. Therefore, it has been classified as a Variant of Uncertain Significance.